The following is an entry in ClinVar:

NM_005026.5(PIK3CD):c.971G>T (p.Arg324Leu)

Gene: PIK3CD (phosphatidylinositol-4,5-bisphosphate 3-kinase catalytic subunit delta; plus strand). Cytogenetic location: 1p36.22.
Variant type: single nucleotide variant.
Coding change: c.971G>T on transcript NM_005026.5 (MANE Select); coding-DNA position 971, G replaced by T.
Protein change: p.Arg324Leu; replaces arginine 324 with leucine.
Molecular consequence: missense variant.
Genome position (GRCh38, 1-based): chr1:9,717,577, G>T. VCF-style: chr1-9717577-G-T. GRCh37 (hg19) VCF-style: chr1-9777635-G-T.
Other names: c.971G>T, p.Arg324Leu (NM_001350234.2); c.884G>T, p.Arg295Leu (NM_001350235.1); short protein forms R324L, R295L.
Identifiers: ClinVar variation 1380516 (VCV001380516.6), dbSNP rs773473376, ClinGen allele CA338301806.

ClinVar aggregate classification (germline): Uncertain significance (1 of 4 stars; one submission).

Conditions:
Immunodeficiency 14 (IMD14A). Also called: ACTIVATED PI3K-DELTA SYNDROME 1; Activated PI3K Delta Syndrome Type 1 (APDS1); p110-DELTA-ACTIVATING MUTATION CAUSING SENESCENT T CELLS, LYMPHADENOPATHY, AND IMMUNODEFICIENCY; IMMUNODEFICIENCY 14A WITH LYMPHOPROLIFERATION, AUTOSOMAL DOMINANT. Identifiers: Orphanet 397596, Orphanet 693661, MedGen C5907821, MONDO:0014222, OMIM 615513.

gnomAD v4.1: 2 of 1,614,112 alleles (0.00012%); highest among the groups gnomAD compares: Non-Finnish European, 0.00017%; no homozygotes.

Submission:

Labcorp Genetics (formerly Invitae), Labcorp
Classification: Uncertain significance for Activated PI3K-delta syndrome. Last evaluated: 2021-10-25. Review status: criteria provided, single submitter. Criteria: Invitae Variant Classification Sherloc (09022015). Collection method: clinical testing. Allele origin: germline.
Comment: This sequence change replaces arginine with leucine at codon 324 of the PIK3CD protein (p.Arg324Leu). The arginine residue is weakly conserved and there is a moderate physicochemical difference between arginine and leucine. This variant is not present in population databases (ExAC no frequency). In summary, the available evidence is currently insufficient to determine the role of this variant in disease. Therefore, it has been classified as a Variant of Uncertain Significance. Algorithms developed to predict the effect of missense changes on protein structure and function (SIFT, PolyPhen-2, Align-GVGD) all suggest that this variant is likely to be tolerated. This variant has not been reported in the literature in individuals affected with PIK3CD-related conditions.